The following is an entry in ClinVar:

ClinVar aggregate classification (germline): Benign (1 of 4 stars; one submission).

Conditions:
Hereditary spastic paraplegia 8 (SPG8). Also called: SPASTIC PARAPLEGIA 8, AUTOSOMAL DOMINANT. Identifiers: Orphanet 100989, MedGen C1863704, MONDO:0011339, OMIM 603563.

Allele frequency attached by ClinVar (database versions not stated): gnomAD exomes 0.00028; gnomAD 0.00039; 1000 Genomes Project 30x 0.00047; TOPMed 0.00049; 1000 Genomes Project 0.00060.
gnomAD v4.1: 358 of 1,131,868 alleles (0.032%); highest among the groups gnomAD compares: Admixed American, 0.034%; 3 homozygotes.

Submission:

Illumina Laboratory Services, Illumina
Classification: Benign for Hereditary spastic paraplegia 8. Last evaluated: 2018-01-13. Review status: criteria provided, single submitter. Criteria: ICSL Variant Classification Criteria 13 December 2019. Collection method: clinical testing. Allele origin: germline.
Comment: This variant was observed in the ICSL laboratory as part of a predisposition screen in an ostensibly healthy population. It had not been previously curated by ICSL or reported in the Human Gene Mutation Database (HGMD: prior to June 1st, 2018), and was therefore a candidate for classification through an automated scoring system. Utilizing variant allele frequency, disease prevalence and penetrance estimates, and inheritance mode, an automated score was calculated to assess if this variant is too frequent to cause the disease. Based on the score and internal cut-off values, a variant classified as benign is not then subjected to further curation. The score for this variant resulted in a classification of benign for this disease.

NM_014846.4(WASHC5):c.*78A>G

Gene: WASHC5 (WASH complex subunit 5; minus strand). Cytogenetic location: 8q24.13.
Variant type: single nucleotide variant.
Coding change: c.*78A>G on transcript NM_014846.4 (MANE Select); 78 bases downstream of the stop codon, A replaced by G.
Molecular consequence: 3 prime UTR variant.
Genome position (GRCh38, 1-based): chr8:125,024,539, T>C on the plus strand (A>G on the coding strand, the complement: WASHC5 is on the minus strand). VCF-style: chr8-125024539-T-C. GRCh37 (hg19) VCF-style: chr8-126036781-T-C.
Other names: c.*78A>G (NM_001330609.2).
Identifiers: ClinVar variation 361708 (VCV000361708.5), dbSNP rs188863489, ClinGen allele CA10630143.